The following is an entry in ClinVar:

NM_001144869.3(LIPT2):c.26_27insTCGGCTGGT (p.6VRL[3])

Genes: LIPT2 (lipoyl(octanoyl) transferase 2; minus strand), LIPT2-AS1 (LIPT2 antisense RNA 1; plus strand). Cytogenetic location: 11q13.4.
Variant type: Insertion.
Coding change: c.26_27insTCGGCTGGT on transcript NM_001144869.3 (MANE Select); coding-DNA positions 26 to 27, TCGGCTGGT inserted.
Protein change: p.6VRL[3].
Molecular consequence: inframe insertion. On other transcripts: non-coding transcript variant (1).
Genome position: GRCh38 VCF-style: chr11-74493677-C-CACCAGCCGA. GRCh37 (hg19) VCF-style: chr11-74204722-C-CACCAGCCGA.
Other names: c.26_27insTCGGCTGGT, p.6VRL[3] (NM_001329941.2, NM_001329942.2); c.26_27insTCGGCTGGT (NM_001144869.2).
Identifiers: ClinVar variation 1398730 (VCV001398730.6), dbSNP rs1317606810, ClinGen allele CA680151366.

ClinVar aggregate classification (germline): Uncertain significance. Review status: criteria provided, single submitter (1 of 4 stars). 2 submissions from 2 submitters: Uncertain significance (1). 1 of the submissions does not count toward it. Last evaluated 2022-08-02.

Conditions:
LIPT2-related disorder. Also called: LIPT2-related condition.

Submissions (2):

Labcorp Genetics (formerly Invitae), Labcorp
Classification: Uncertain significance. Last evaluated: 2022-08-02. Review status: criteria provided, single submitter. Criteria: Invitae Variant Classification Sherloc (09022015). Collection method: clinical testing. Allele origin: germline.
Comment: This variant, c.26_27insTCGGCTGGT, results in the insertion of 3 amino acid(s) of the LIPT2 protein (p.Val9_Leu11dup), but otherwise preserves the integrity of the reading frame. This variant is not present in population databases (gnomAD no frequency). This variant has not been reported in the literature in individuals affected with LIPT2-related conditions. ClinVar contains an entry for this variant (Variation ID: 1398730). Experimental studies and prediction algorithms are not available or were not evaluated, and the functional significance of this variant is currently unknown. In summary, the available evidence is currently insufficient to determine the role of this variant in disease. Therefore, it has been classified as a Variant of Uncertain Significance.

PreventionGenetics, part of Exact Sciences
Classification: Uncertain significance for LIPT2-related condition. Last evaluated: 2024-05-16. Review status: no assertion criteria provided. Collection method: clinical testing. Allele origin: germline. Not counted in ClinVar's aggregate classification.
Comment: The LIPT2 c.26_27insTCGGCTGGT variant is predicted to result in an in-frame amino acid insertion (p.Val9_Leu11dup). To our knowledge, this variant has not been reported in the literature or in a large population database, indicating this variant is rare. At this time, the clinical significance of this variant is uncertain due to the absence of conclusive functional and genetic evidence.